The following is an entry in ClinVar:

NM_182961.4(SYNE1):c.11625A>G (p.Ser3875=)

Gene: SYNE1 (spectrin repeat containing nuclear envelope protein 1; minus strand). Cytogenetic location: 6q25.2.
Variant type: single nucleotide variant.
Coding change: c.11625A>G on transcript NM_182961.4 (MANE Select); coding-DNA position 11625, A replaced by G.
Protein change: p.Ser3875=; no amino-acid change (serine 3875 retained).
Molecular consequence: synonymous variant.
Genome position (GRCh38, 1-based): chr6:152,350,726, T>C on the plus strand (A>G on the coding strand, the complement: SYNE1 is on the minus strand). VCF-style: chr6-152350726-T-C. GRCh37 (hg19) VCF-style: chr6-152671861-T-C.
Other names: c.11580A>G, p.Ser3860= (NM_033071.5).
Identifiers: ClinVar variation 373168 (VCV000373168.5), dbSNP rs1057518265, ClinGen allele CA16042550.

ClinVar aggregate classification (germline): Uncertain significance. Review status: criteria provided, multiple submitters, no conflicts (2 of 4 stars). 3 submissions from 2 submitters: Uncertain significance (3). Last evaluated 2018-01-13.

Conditions:
Emery-Dreifuss muscular dystrophy 4, autosomal dominant (EDMD4). Also called: EMERY-DREIFUSS MUSCULAR DYSTROPHY 4 WITH VARIABLE FEATURES. Identifiers: Orphanet 261, MedGen C2751807, MONDO:0013071, OMIM 612998.
Autosomal recessive ataxia, Beauce type. Also called: ATAXIA, RECESSIVE, OF BEAUCE; SYNE1-Related Autosomal Recessive Cerebellar Ataxia; Spinocerebellar ataxia, autosomal recessive 8; SYNE1 Deficiency. Identifiers: Orphanet 88644, MedGen C1853116, MONDO:0012549, OMIM 610743.

Allele frequency attached by ClinVar (database versions not stated): gnomAD exomes 0.00001; TOPMed 0.00001.
gnomAD v4.1: 3 of 1,614,112 alleles (0.00019%); highest among the groups gnomAD compares: Non-Finnish European, 0.00025%; no homozygotes.

Submissions (3):

Illumina Laboratory Services, Illumina
Classification: Uncertain significance for Autosomal recessive ataxia, Beauce type. Last evaluated: 2018-01-13. Review status: criteria provided, single submitter. Criteria: ICSL Variant Classification Criteria 13 December 2019. Collection method: clinical testing. Allele origin: germline.

Illumina Laboratory Services, Illumina
Classification: Uncertain significance for Emery-Dreifuss muscular dystrophy 4, autosomal dominant. Last evaluated: 2018-01-13. Review status: criteria provided, single submitter. Criteria: ICSL Variant Classification Criteria 13 December 2019. Collection method: clinical testing. Allele origin: germline.

GeneDx
Classification: Uncertain significance. Last evaluated: 2016-11-15. Review status: criteria provided, single submitter. Criteria: GeneDx Variant Classification (06012015). Collection method: clinical testing. Allele origin: germline. Affected: yes.
Comment: A variant of uncertain significance has been identified in the SYNE1 gene. The c.11580A>G variant has not been published as a pathogenic variant, nor has it been reported as a benign variant to our knowledge. It was not observed in approximately 6,500 individuals of European and African American ancestry in the NHLBI Exome Sequencing Project, indicating it is not a common benign variant in these populations. Several in-silico splice prediction models predict that c.11580A>G may impact gene splicing. However, in the absence of RNA/functional studies, the actual effect of this sequence change in this individual is unknown. This substitution occurs at a position that is not conserved. Therefore, based on the currently available information, it is unclear whether this variant is a pathogenic variant or a rare benign variant.